The following is an entry in ClinVar:

ClinVar aggregate classification (germline): Uncertain significance. Review status: criteria provided, single submitter (1 of 4 stars). 2 submissions from 2 submitters: Uncertain significance (1). 1 of the submissions does not count toward it. Last evaluated 2021-08-10.

Conditions:
Spermatogenic failure 33. Identifiers: MedGen C4748395, MONDO:0029147, OMIM 618152.
CFAP251-related disorder. Also called: CFAP251-related condition.

Allele frequency attached by ClinVar (database versions not stated): TOPMed 0.00034; gnomAD exomes 0.00036; gnomAD 0.00038; ExAC 0.00042; ESP Exome Variant Server 0.00073.
gnomAD v4.1: 596 of 1,614,100 alleles (0.037%); highest among the groups gnomAD compares: Middle Eastern, 0.63%; 3 homozygotes.

Submissions (2):

Department of Pathology and Laboratory Medicine, Sinai Health System
Classification: Uncertain significance for spermatogenic failure 33. Last evaluated: 2021-08-10. Review status: criteria provided, single submitter. Criteria: ACMG Guidelines, 2015. Collection method: research. Allele origin: germline.

PreventionGenetics, part of Exact Sciences
Classification: Likely benign for CFAP251-related condition. Last evaluated: 2019-04-01. Review status: no assertion criteria provided. Collection method: clinical testing. Allele origin: germline. Not counted in ClinVar's aggregate classification.
Comment: This variant is classified as likely benign based on ACMG/AMP sequence variant interpretation guidelines (Richards et al. 2015 PMID: 25741868, with internal and published modifications).

NM_144668.6(CFAP251):c.1191+4A>G

Gene: CFAP251 (cilia and flagella associated protein 251; plus strand). Cytogenetic location: 12q24.31.
Variant type: single nucleotide variant.
Coding change: c.1191+4A>G on transcript NM_144668.6 (MANE Select); 4 bases into the intron after coding-DNA position 1191, A replaced by G.
Molecular consequence: intron variant.
Genome position (GRCh38, 1-based): chr12:121,942,979, A>G. VCF-style: chr12-121942979-A-G. GRCh37 (hg19) VCF-style: chr12-122380885-A-G.
Other names: c.1191+4A>G (NM_001178003.2).
Identifiers: ClinVar variation 3050667 (VCV003050667.3), dbSNP rs373303946, ClinGen allele CA6840542.